The following is an entry in ClinVar:

NM_004606.5(TAF1):c.1836A>C (p.Lys612Asn)

Gene: TAF1 (TATA-box binding protein associated factor 1; plus strand). Cytogenetic location: Xq13.1.
Variant type: single nucleotide variant.
Coding change: c.1836A>C on transcript NM_004606.5 (MANE Select); coding-DNA position 1836, A replaced by C.
Protein change: p.Lys612Asn; replaces lysine 612 with asparagine.
Molecular consequence: missense variant. On other transcripts: non-coding transcript variant (9).
Genome position (GRCh38, 1-based): chrX:71,383,053, A>C. VCF-style: chrX-71383053-A-C. GRCh37 (hg19) VCF-style: chrX-70602903-A-C.
Other names: c.1836A>C, p.Lys612Asn (NM_001286074.2); c.1773A>C, p.Lys591Asn (NM_138923.4); short protein forms K591N, K612N.
Identifiers: ClinVar variation 3343488 (VCV003343488.2).
Genomic context (GRCh38, chrX:71,383,053, plus strand): 5'-TTCAATTCCTGCTGTGGAATTACGGCAGCCCTTCTTTCCCACCCACATGGGGCCCATCAA[A>C]CTCCGGCAGTTCCATCGCCCACCTCTGAAAAAGTACTCATTTGGTGCACTTTCTCAGCCA-3'
Protein context (NP_004597.3, residues 602-622): PFFPTHMGPI[Lys612Asn]LRQFHRPPLK

ClinVar aggregate classification (germline): Uncertain significance (1 of 4 stars; one submission).

Submission:

GeneDx
Classification: Uncertain significance. Last evaluated: 2025-08-28. Review status: criteria provided, single submitter. Criteria: GeneDx Variant Classification Process June 2021. Collection method: clinical testing. Allele origin: germline.
Comment: Not observed at significant frequency in large population cohorts (gnomAD); In silico analysis supports that this missense variant has a deleterious effect on protein structure/function; Has not been previously published as pathogenic or benign to our knowledge